The following is an entry in ClinVar:

NM_001020658.2(PUM1):c.137C>T (p.Ala46Val)

Gene: PUM1 (pumilio RNA binding family member 1; minus strand). Cytogenetic location: 1p35.2.
Variant type: single nucleotide variant.
Coding change: c.137C>T on transcript NM_001020658.2 (MANE Select); coding-DNA position 137, C replaced by T.
Protein change: p.Ala46Val; replaces alanine 46 with valine.
Molecular consequence: missense variant.
Genome position (GRCh38, 1-based): chr1:31,059,430, G>A on the plus strand (C>T on the coding strand, the complement: PUM1 is on the minus strand). VCF-style: chr1-31059430-G-A. GRCh37 (hg19) VCF-style: chr1-31532277-G-A.
Other names: c.137C>T, p.Ala46Val (NM_014676.3); short protein forms A46V.
Identifiers: ClinVar variation 3390346 (VCV003390346.14).

ClinVar aggregate classification (germline): Likely benign (1 of 4 stars; one submission).

gnomAD v4.1: 88 of 1,614,160 alleles (0.0055%); highest among the groups gnomAD compares: African/African-American, 0.033%; no homozygotes.

Submission:

CeGaT Center for Human Genetics Tuebingen
Classification: Likely benign. Last evaluated: 2024-09-01. Review status: criteria provided, single submitter. Criteria: CeGaT Center For Human Genetics Tuebingen Variant Classification Criteria Version 2. Collection method: clinical testing. Allele origin: germline. Affected: yes. Observed: 1 variant allele.
Comment: PUM1: BP4